The following is an entry in ClinVar:

ClinVar aggregate classification (germline): Conflicting classifications of pathogenicity. Review status: criteria provided, conflicting classifications (1 of 4 stars). 3 submissions from 3 submitters: Uncertain significance (2); Likely benign (1). Last evaluated 2024-05-28.

Conditions:
Developmental and epileptic encephalopathy, 13 (DEE13). Also called: Early infantile epileptic encephalopathy 13; Developmental and Epileptic Encephalopathy (SCN8A-DEE); SCN8A-Related Epilepsy. Identifiers: Orphanet 442835, MedGen C3281191, MONDO:0013801, OMIM 614558.
Seizures, benign familial infantile, 5 (BFIS5). Also called: CONVULSIONS, BENIGN FAMILIAL INFANTILE, 5. Identifiers: Orphanet 306, MedGen C4310728, MONDO:0014903, OMIM 617080.
Myoclonus, familial, 2. Identifiers: MedGen C5193056, MONDO:0100092, OMIM 618364.
Cognitive impairment with or without cerebellar ataxia (CIAT). Identifiers: MedGen C3280415, MONDO:0013680, OMIM 614306.
Early-infantile DEE. Also called: Early infantile epileptic encephalopathy with suppression bursts; Early infantile epileptic encephalopathy; Ohtahara syndrome. Identifiers: Orphanet 1934, MedGen C0393706, MONDO:0800491.

Allele frequency attached by ClinVar (database versions not stated): TOPMed 0.00001; 1000 Genomes Project 0.00020; gnomAD exomes below 0.00001 and 0.00002; 1000 Genomes Project 30x 0.00031; gnomAD 0.00001 and 0.00002.
gnomAD v4.1: 34 of 1,605,494 alleles (0.0021%); highest among the groups gnomAD compares: Non-Finnish European, 0.0028%; no homozygotes.

Submissions (3):

Labcorp Genetics (formerly Invitae), Labcorp
Classification: Uncertain significance for Early-infantile DEE. Last evaluated: 2024-05-28. Review status: criteria provided, single submitter. Criteria: Invitae Variant Classification Sherloc (09022015). Collection method: clinical testing. Allele origin: germline.
Comment: This sequence change replaces glutamic acid, which is acidic and polar, with lysine, which is basic and polar, at codon 466 of the SCN8A protein (p.Glu466Lys). This variant is present in population databases (rs557559740, gnomAD 0.001%). This variant has not been reported in the literature in individuals affected with SCN8A-related conditions. ClinVar contains an entry for this variant (Variation ID: 1039121). Advanced modeling of protein sequence and biophysical properties (such as structural, functional, and spatial information, amino acid conservation, physicochemical variation, residue mobility, and thermodynamic stability) performed at Invitae indicates that this missense variant is not expected to disrupt SCN8A protein function with a negative predictive value of 95%. In summary, the available evidence is currently insufficient to determine the role of this variant in disease. Therefore, it has been classified as a Variant of Uncertain Significance.

Revvity Omics, Revvity
Classification: Likely benign. Last evaluated: 2023-11-29. Review status: criteria provided, single submitter. Criteria: ACMG Guidelines, 2015. Collection method: clinical testing. Allele origin: germline.

Fulgent Genetics
Classification: Uncertain significance for Cognitive impairment with or without cerebellar ataxia; Developmental and epileptic encephalopathy, 13; Seizures, benign familial infantile, 5; Myoclonus, familial, 2. Last evaluated: 2022-05-19. Review status: criteria provided, single submitter. Criteria: ACMG Guidelines, 2015. Collection method: clinical testing. Allele origin: unknown.

NM_001330260.2(SCN8A):c.1396G>A (p.Glu466Lys)

Gene: SCN8A (sodium voltage-gated channel alpha subunit 8; plus strand). Cytogenetic location: 12q13.13.
Variant type: single nucleotide variant.
Coding change: c.1396G>A on transcript NM_001330260.2 (MANE Select); coding-DNA position 1396, G replaced by A.
Protein change: p.Glu466Lys; replaces glutamic acid 466 with lysine.
Molecular consequence: missense variant.
Genome position (GRCh38, 1-based): chr12:51,706,476, G>A. VCF-style: chr12-51706476-G-A. GRCh37 (hg19) VCF-style: chr12-52100260-G-A.
Other names: c.1396G>A, p.Glu466Lys (NM_001177984.3, NM_001369788.1, NM_014191.4); short protein forms E466K.
Identifiers: ClinVar variation 1039121 (VCV001039121.12), dbSNP rs557559740, ClinGen allele CA236264002.